The following is an entry in ClinVar:

NM_000179.3(MSH6):c.2668G>C (p.Val890Leu)

Gene: MSH6 (mutS homolog 6; plus strand). Cytogenetic location: 2p16.3.
Variant type: single nucleotide variant.
Coding change: c.2668G>C on transcript NM_000179.3 (MANE Select); coding-DNA position 2668, G replaced by C.
Protein change: p.Val890Leu; replaces valine 890 with leucine.
Molecular consequence: missense variant.
Genome position (GRCh38, 1-based): chr2:47,800,651, G>C. VCF-style: chr2-47800651-G-C. GRCh37 (hg19) VCF-style: chr2-48027790-G-C.
Other names: c.2278G>C, p.Val760Leu (NM_001281492.2); c.1762G>C, p.Val588Leu (NM_001281493.2, NM_001281494.2); short protein forms V890L, V588L, V760L.
Identifiers: ClinVar variation 186012 (VCV000186012.13), dbSNP rs786202628, ClinGen allele CA010714.
Genomic context (GRCh38, chr2:47,800,651, plus strand): 5'-AAAATTATAGGGATCATGGAAGAAGTTGCTGATGGTTTTAAGTCTAAAATCCTTAAGCAG[G>C]TCATCTCTCTGCAGACAAAAAATCCTGAAGGTCGTTTTCCTGATTTGACTGTAGAATTGA-3'
Protein context (NP_000170.1, residues 880-900): DGFKSKILKQ[Val890Leu]ISLQTKNPEG

ClinVar aggregate classification (germline): Uncertain significance. Review status: criteria provided, multiple submitters, no conflicts (2 of 4 stars). 4 submissions from 4 submitters: Uncertain significance (4). Last evaluated 2025-09-05.

Conditions:
Hereditary nonpolyposis colorectal neoplasms. Identifiers: MedGen C0009405, MeSH D003123.
Hereditary cancer-predisposing syndrome. Also called: Hereditary neoplastic syndrome; Neoplastic Syndromes, Hereditary; Tumor predisposition; Hereditary Cancer Syndrome. Identifiers: Orphanet 140162, MedGen C0027672, MeSH D009386, MONDO:0015356.
Lynch syndrome. Identifiers: Orphanet 144, MedGen C4552100, MONDO:0005835. Disease mechanism: loss of function.
Endometrial carcinoma. Also called: Endometrial carcinoma, somatic. Identifiers: MedGen C0476089, MONDO:0002447, OMIM 608089, HP:0012114.

Submissions (4):

Ambry Genetics
Classification: Uncertain significance for Hereditary cancer-predisposing syndrome. Last evaluated: 2025-09-05. Review status: criteria provided, single submitter. Criteria: Ambry Variant Classification Scheme 2023. Collection method: clinical testing. Allele origin: germline.
Comment: The p.V890L variant (also known as c.2668G>C), located in coding exon 4 of the MSH6 gene, results from a G to C substitution at nucleotide position 2668. The valine at codon 890 is replaced by leucine, an amino acid with highly similar properties. This amino acid position is not well conserved in available vertebrate species.In addition, this alteration is predicted to be tolerated by in silico analysis. Since supporting evidence is limited at this time, the clinical significance of this alteration remains unclear.

Baylor Genetics
Classification: Uncertain significance for Endometrial carcinoma. Last evaluated: 2024-02-13. Review status: criteria provided, single submitter. Criteria: ACMG Guidelines, 2015. Collection method: clinical testing. Allele origin: unknown.

All of Us Research Program, National Institutes of Health
Classification: Uncertain significance for Lynch syndrome. Last evaluated: 2024-01-08. Review status: criteria provided, single submitter. Criteria: ACMG Guidelines, 2015. Collection method: clinical testing. Allele origin: germline. Inheritance: Autosomal dominant inheritance. Observed: 1 variant allele, 1 heterozygote.
Comment: This missense variant replaces valine with leucine at codon 890 of the MSH6 protein. Computational prediction suggests that this variant may not impact protein structure and function (internally defined REVEL score threshold <= 0.5, PMID: 27666373). To our knowledge, functional studies have not been reported for this variant. This variant has not been reported in individuals affected with MSH6-related disorders in the literature. This variant has not been identified in the general population by the Genome Aggregation Database (gnomAD). The available evidence is insufficient to determine the role of this variant in disease conclusively. Therefore, this variant is classified as a Variant of Uncertain Significance.

This study involves interpretation of variants in research participants for the purpose of population health screening. Participant phenotype was not available at the time of variant classification. Additional details can be found in publication PMID: 35346344, PMCID: PMC8962531

Labcorp Genetics (formerly Invitae), Labcorp
Classification: Uncertain significance for Hereditary nonpolyposis colorectal neoplasms. Last evaluated: 2023-09-08. Review status: criteria provided, single submitter. Criteria: Invitae Variant Classification Sherloc (09022015). Collection method: clinical testing. Allele origin: germline.
Comment: In summary, the available evidence is currently insufficient to determine the role of this variant in disease. Therefore, it has been classified as a Variant of Uncertain Significance. Advanced modeling of protein sequence and biophysical properties (such as structural, functional, and spatial information, amino acid conservation, physicochemical variation, residue mobility, and thermodynamic stability) performed at Invitae indicates that this missense variant is not expected to disrupt MSH6 protein function. ClinVar contains an entry for this variant (Variation ID: 186012). This variant has not been reported in the literature in individuals affected with MSH6-related conditions. This variant is not present in population databases (gnomAD no frequency). This sequence change replaces valine, which is neutral and non-polar, with leucine, which is neutral and non-polar, at codon 890 of the MSH6 protein (p.Val890Leu).